The following is an entry in ClinVar:

ClinVar aggregate classification (germline): Uncertain significance (1 of 4 stars; one submission).

Conditions:
Long QT syndrome (LQTS). Identifiers: MedGen C0023976, MeSH D008133, MONDO:0002442. Disease mechanism: loss of function. Inheritance: Various modes of inheritance.

Allele frequency attached by ClinVar (database versions not stated): gnomAD exomes below 0.00001; ExAC 0.00001; ESP Exome Variant Server 0.00008.

Submission:

Labcorp Genetics (formerly Invitae), Labcorp
Classification: Uncertain significance for Long QT syndrome. Last evaluated: 2022-05-04. Review status: criteria provided, single submitter. Criteria: Invitae Variant Classification Sherloc (09022015). Collection method: clinical testing. Allele origin: germline.
Comment: Variants that disrupt the consensus splice site are a relatively common cause of aberrant splicing (PMID: 17576681, 9536098). Algorithms developed to predict the effect of sequence changes on RNA splicing suggest that this variant may disrupt the consensus splice site. In summary, the available evidence is currently insufficient to determine the role of this variant in disease. Therefore, it has been classified as a Variant of Uncertain Significance. This variant has not been reported in the literature in individuals affected with CAV3-related conditions. This variant is present in population databases (rs143346209, gnomAD 0.0009%). This sequence change affects an acceptor splice site in intron 1 of the CAV3 gene. While this variant is not anticipated to result in nonsense mediated decay, it likely alters RNA splicing and results in a disrupted protein product.

Literature cited by the submitters: PubMed 17576681; PubMed 9536098.

NM_033337.3(CAV3):c.115-2A>T

Genes: CAV3 (caveolin 3; plus strand), OXTR (oxytocin receptor; minus strand). Cytogenetic location: 3p25.3.
Variant type: single nucleotide variant.
Coding change: c.115-2A>T on transcript NM_033337.3 (MANE Select); the canonical splice acceptor site of the intron before coding-DNA position 115, A replaced by T.
Molecular consequence: splice acceptor variant.
Genome position (GRCh38, 1-based): chr3:8,745,524, A>T. VCF-style: chr3-8745524-A-T. GRCh37 (hg19) VCF-style: chr3-8787210-A-T.
Other names: c.115-2A>T (NM_001234.5).
Identifiers: ClinVar variation 1462468 (VCV001462468.8), dbSNP rs143346209, ClinGen allele CA2236322.